The following is an entry in ClinVar:

ClinVar aggregate classification (germline): Uncertain significance (1 of 4 stars; one submission).

Submission:

Labcorp Genetics (formerly Invitae), Labcorp
Classification: Uncertain significance. Last evaluated: 2022-03-19. Review status: criteria provided, single submitter. Criteria: Invitae Variant Classification Sherloc (09022015). Collection method: clinical testing. Allele origin: germline.
Comment: This sequence change replaces serine, which is neutral and polar, with arginine, which is basic and polar, at codon 80 of the POLG2 protein (p.Ser80Arg). This variant is not present in population databases (gnomAD no frequency). This variant has not been reported in the literature in individuals affected with POLG2-related conditions. Algorithms developed to predict the effect of missense changes on protein structure and function output the following: SIFT: "Tolerated"; PolyPhen-2: "Benign"; Align-GVGD: "Class C0". The arginine amino acid residue is found in multiple mammalian species, which suggests that this missense change does not adversely affect protein function. In summary, the available evidence is currently insufficient to determine the role of this variant in disease. Therefore, it has been classified as a Variant of Uncertain Significance.

NM_007215.4(POLG2):c.238A>C (p.Ser80Arg)

Genes: MILR1 (mast cell immunoglobulin like receptor 1; plus strand), POLG2 (DNA polymerase gamma 2, accessory subunit; minus strand). Cytogenetic location: 17q23.3.
Variant type: single nucleotide variant.
Coding change: c.238A>C on transcript NM_007215.4 (MANE Select); coding-DNA position 238, A replaced by C.
Protein change: p.Ser80Arg; replaces serine 80 with arginine.
Molecular consequence: missense variant.
Genome position (GRCh38, 1-based): chr17:64,496,731, T>G on the plus strand (A>C on the coding strand, the complement: POLG2 is on the minus strand). VCF-style: chr17-64496731-T-G. GRCh37 (hg19) VCF-style: chr17-62492849-T-G.
Other names: short protein forms S80R.
Identifiers: ClinVar variation 2112259 (VCV002112259.4), dbSNP rs2509561019, ClinGen allele CA400641355.